The following is an entry in ClinVar:

NM_058163.3(TSR2):c.25C>A (p.Arg9=)

Gene: TSR2 (TSR2 ribosome maturation factor; plus strand). Cytogenetic location: Xp11.22.
Variant type: single nucleotide variant.
Coding change: c.25C>A on transcript NM_058163.3 (MANE Select); coding-DNA position 25, C replaced by A.
Protein change: p.Arg9=; no amino-acid change (arginine 9 retained).
Molecular consequence: synonymous variant. On other transcripts: 5 prime UTR variant (3).
Genome position (GRCh38, 1-based): chrX:54,440,446, C>A. VCF-style: chrX-54440446-C-A. GRCh37 (hg19) VCF-style: chrX-54466879-C-A.
Other names: c.25C>A, p.Arg9= (NM_001346789.2); c.-363C>A (NM_001346790.2); c.-372C>A (NM_001346791.2); c.-170C>A (NM_001346792.2).
Identifiers: ClinVar variation 2867263 (VCV002867263.3), dbSNP rs1388303204, ClinGen allele CA516590937.
Genomic context (GRCh38, chrX:54,440,446, plus strand): 5'-GGGCCGCCGGGACGTCACGTGGACTGGGGCCGGATAATGGCGGGCGCTGCAGAAGATGCG[C>A]GAGCTCTTTTCCGGGCTGGGGTCTGCGCGGCCCTGGAGGCCTGGCCGGCCTTGCAGGTCA-3'
Protein context (NP_477511.1, residues 1-19): MAGAAEDA[Arg9=]ALFRAGVCAA

ClinVar aggregate classification (germline): Uncertain significance (1 of 4 stars; one submission).

Submission:

Labcorp Genetics (formerly Invitae), Labcorp
Classification: Uncertain significance. Last evaluated: 2023-06-26. Review status: criteria provided, single submitter. Criteria: Invitae Variant Classification Sherloc (09022015). Collection method: clinical testing. Allele origin: germline.
Comment: In summary, the available evidence is currently insufficient to determine the role of this variant in disease. Therefore, it has been classified as a Variant of Uncertain Significance. This variant has not been reported in the literature in individuals affected with TSR2-related conditions. This variant is not present in population databases (gnomAD no frequency). This sequence change affects codon 9 of the TSR2 mRNA. It is a 'silent' change, meaning that it does not change the encoded amino acid sequence of the TSR2 protein.